The following is an entry in ClinVar:

ClinVar aggregate classification (germline): Uncertain significance (1 of 4 stars; one submission).

gnomAD v4.1: 3 of 1,365,668 alleles (0.00022%); highest among the groups gnomAD compares: African/African-American, 0.0015%; no homozygotes.

Submission:

GeneDx
Classification: Uncertain significance. Last evaluated: 2023-12-29. Review status: criteria provided, single submitter. Criteria: GeneDx Variant Classification Process June 2021. Collection method: clinical testing. Allele origin: germline. Affected: yes.
Comment: Not observed at significant frequency in large population cohorts (gnomAD); In silico analysis supports that this missense variant has a deleterious effect on protein structure/function; Has not been previously published as pathogenic or benign to our knowledge

NM_016148.5(SHANK1):c.3316C>T (p.Arg1106Cys)

Gene: SHANK1 (SH3 and multiple ankyrin repeat domains 1; minus strand). Cytogenetic location: 19q13.33.
Variant type: single nucleotide variant.
Coding change: c.3316C>T on transcript NM_016148.5 (MANE Select); coding-DNA position 3316, C replaced by T.
Protein change: p.Arg1106Cys; replaces arginine 1106 with cysteine.
Molecular consequence: missense variant.
Genome position (GRCh38, 1-based): chr19:50,668,644, G>A on the plus strand (C>T on the coding strand, the complement: SHANK1 is on the minus strand). VCF-style: chr19-50668644-G-A. GRCh37 (hg19) VCF-style: chr19-51171901-G-A.
Other names: short protein forms R1106C.
Identifiers: ClinVar variation 3342758 (VCV003342758.1).